The following is an entry in ClinVar:

NM_001009944.3(PKD1):c.7320C>T (p.Asp2440=)

Gene: PKD1 (polycystin 1, transient receptor potential channel interacting; minus strand). Cytogenetic location: 16p13.3.
Variant type: single nucleotide variant.
Coding change: c.7320C>T on transcript NM_001009944.3 (MANE Select); coding-DNA position 7320, C replaced by T.
Protein change: p.Asp2440=; no amino-acid change (aspartic acid 2440 retained).
Molecular consequence: synonymous variant.
Genome position (GRCh38, 1-based): chr16:2,106,567, G>A on the plus strand (C>T on the coding strand, the complement: PKD1 is on the minus strand). VCF-style: chr16-2106567-G-A. GRCh37 (hg19) VCF-style: chr16-2156568-G-A.
Other names: c.7320C>T, p.Asp2440= (NM_000296.4).
Identifiers: ClinVar variation 4980043 (VCV004980043.1).

ClinVar aggregate classification (germline): Likely benign (1 of 4 stars; one submission).

Conditions:
PKD1-related disorder. Also called: PKD1-related condition.

Submission:

PreventionGenetics, part of Exact Sciences
Classification: Likely benign for PKD1-related condition. Last evaluated: 2026-06-26. Review status: criteria provided, single submitter. Criteria: ACMG Guidelines, 2015. Collection method: clinical testing. Allele origin: germline.
Comment: This variant is classified as likely benign based on ACMG/AMP sequence variant interpretation guidelines (Richards et al. 2015 PMID: 25741868, with internal and published modifications).